The following is an entry in ClinVar:

NM_020706.2(SCAF4):c.751C>T (p.Pro251Ser)

Gene: SCAF4 (SR-related CTD associated factor 4; minus strand). Cytogenetic location: 21q22.11.
Variant type: single nucleotide variant.
Coding change: c.751C>T on transcript NM_020706.2 (MANE Select); coding-DNA position 751, C replaced by T.
Protein change: p.Pro251Ser; replaces proline 251 with serine.
Molecular consequence: missense variant.
Genome position (GRCh38, 1-based): chr21:31,701,021, G>A on the plus strand (C>T on the coding strand, the complement: SCAF4 is on the minus strand). VCF-style: chr21-31701021-G-A. GRCh37 (hg19) VCF-style: chr21-33073334-G-A.
Other names: c.706C>T, p.Pro236Ser (NM_001145444.1); c.751C>T, p.Pro251Ser (NM_001145445.1); short protein forms P236S, P251S.
Identifiers: ClinVar variation 4883748 (VCV004883748.2).

ClinVar aggregate classification (germline): Uncertain significance (1 of 4 stars; one submission).

Submission:

Dasa
Classification: Uncertain significance. Last evaluated: 2025-01-30. Review status: criteria provided, single submitter. Criteria: DASA Assertion Criteria. Collection method: clinical testing. Allele origin: germline.
Comment: NM_020706.2(SCAF4):c.751C>T (p.Pro251Ser) is a missense variant that results in the substitution of proline with serine. This variant is absent from population databases. Computational prediction algorithms are consistent with a benign effect. The currently available literature and clinical evidence are not sufficient to establish a definitive association between this variant and the reported condition. Therefore, this variant is classified as a variant of uncertain significance.